The following is an entry in ClinVar:

NM_001009944.3(PKD1):c.1297C>T (p.Gln433Ter)

Gene: PKD1 (polycystin 1, transient receptor potential channel interacting; minus strand). Cytogenetic location: 16p13.3.
Variant type: single nucleotide variant.
Coding change: c.1297C>T on transcript NM_001009944.3 (MANE Select); coding-DNA position 1297, C replaced by T.
Protein change: p.Gln433Ter; replaces glutamine 433 with a stop codon.
Molecular consequence: nonsense.
Genome position (GRCh38, 1-based): chr16:2,117,577, G>A on the plus strand (C>T on the coding strand, the complement: PKD1 is on the minus strand). VCF-style: chr16-2117577-G-A. GRCh37 (hg19) VCF-style: chr16-2167578-G-A.
Other names: c.1297C>T, p.Gln433Ter (NM_000296.4); short protein forms Q433*.
Identifiers: ClinVar variation 2429501 (VCV002429501.24), dbSNP rs2544876107, ClinGen allele CA394392617.

ClinVar aggregate classification (germline): Pathogenic. Review status: criteria provided, multiple submitters, no conflicts (2 of 4 stars). 2 submissions from 2 submitters: Pathogenic (2). Last evaluated 2023-11-01.

Submissions (2):

CeGaT Center for Human Genetics Tuebingen
Classification: Pathogenic. Last evaluated: 2023-11-01. Review status: criteria provided, single submitter. Criteria: CeGaT Center For Human Genetics Tuebingen Variant Classification Criteria Version 2. Collection method: clinical testing. Allele origin: germline. Affected: yes. Observed: 1 variant allele.
Comment: PKD1: PVS1, PM2, PS4:Moderate, PP4

GeneDx
Classification: Pathogenic. Last evaluated: 2023-01-25. Review status: criteria provided, single submitter. Criteria: GeneDx Variant Classification Process June 2021. Collection method: clinical testing. Allele origin: germline. Affected: yes.
Comment: Nonsense variant predicted to result in protein truncation or nonsense mediated decay in a gene for which loss-of-function is a known mechanism of disease; Not observed in large population cohorts (gnomAD); This variant is associated with the following publications: (PMID: 30333007, 27782177)